The following is an entry in ClinVar:

NM_177987.3(TUBB8):c.9G>A (p.Glu3=)

Gene: TUBB8 (tubulin beta 8 class VIII; minus strand). Cytogenetic location: 10p15.3.
Variant type: single nucleotide variant.
Coding change: c.9G>A on transcript NM_177987.3 (MANE Select); coding-DNA position 9, G replaced by A.
Protein change: p.Glu3=; no amino-acid change (glutamic acid 3 retained).
Molecular consequence: synonymous variant.
Genome position (GRCh38, 1-based): chr10:49,230, C>T on the plus strand (G>A on the coding strand, the complement: TUBB8 is on the minus strand). VCF-style: chr10-49230-C-T. GRCh37 (hg19) VCF-style: chr10-95170-C-T.
Identifiers: ClinVar variation 775282 (VCV000775282.30), dbSNP rs561104222, ClinGen allele CA5378792.

ClinVar aggregate classification (germline): Benign/Likely benign. Review status: criteria provided, multiple submitters, no conflicts (2 of 4 stars). 4 submissions from 4 submitters: Benign (2); Likely benign (2). Last evaluated 2024-11-27.

Allele frequency attached by ClinVar (database versions not stated): gnomAD exomes 0.00257 and 0.00258; 1000 Genomes Project 0.00280; ExAC 0.00280; gnomAD 0.00286; 1000 Genomes Project 30x 0.00328.

Submissions (4):

Blueprint Genetics
Classification: Likely benign. Last evaluated: 2024-11-27. Review status: criteria provided, single submitter. Criteria: ACMG Guidelines, 2015. Collection method: clinical testing. Allele origin: germline.

CeGaT Center for Human Genetics Tuebingen
Classification: Likely benign. Last evaluated: 2022-12-01. Review status: criteria provided, single submitter. Criteria: CeGaT Center For Human Genetics Tuebingen Variant Classification Criteria Version 2. Collection method: clinical testing. Allele origin: germline. Affected: yes. Observed: 2 variant alleles.
Comment: TUBB8: BP4, BP7

Labcorp Genetics (formerly Invitae), Labcorp
Classification: Benign. Last evaluated: 2019-12-31. Review status: criteria provided, single submitter. Criteria: Invitae Variant Classification Sherloc (09022015). Collection method: clinical testing. Allele origin: germline.

Breakthrough Genomics
Classification: Benign. Review status: criteria provided, single submitter. Criteria: ACMG Guidelines, 2015. Collection method: not provided. Allele origin: germline. Inheritance: Autosomal dominant inheritance. Affected: yes.